The following is an entry in ClinVar:

NM_023110.3(FGFR1):c.2089G>C (p.Gly697Arg)

Gene: FGFR1 (fibroblast growth factor receptor 1; minus strand). Cytogenetic location: 8p11.23.
Variant type: single nucleotide variant.
Coding change: c.2089G>C on transcript NM_023110.3 (MANE Select); coding-DNA position 2089, G replaced by C.
Protein change: p.Gly697Arg; replaces glycine 697 with arginine.
Molecular consequence: missense variant.
Genome position (GRCh38, 1-based): chr8:38,414,249, C>G on the plus strand (G>C on the coding strand, the complement: FGFR1 is on the minus strand). VCF-style: chr8-38414249-C-G. GRCh37 (hg19) VCF-style: chr8-38271767-C-G.
Other names: c.2089G>C, p.Gly697Arg (NM_000604.2); c.2083G>C, p.Gly695Arg (NM_001174063.2, NM_001174065.2, NM_001354367.2 and 1 more transcripts); c.2059G>C, p.Gly687Arg (NM_001174064.2); c.1822G>C, p.Gly608Arg (NM_001174066.2, NM_023105.3); c.2182G>C, p.Gly728Arg (NM_001174067.2); c.1810G>C, p.Gly604Arg (NM_001354368.2); c.2077G>C, p.Gly693Arg (NM_001354369.2, NM_001410922.1); c.1816G>C, p.Gly606Arg (NM_001354370.2, NM_023106.3); short protein forms G606R, G693R, G697R, G608R, G687R, G728R, G695R, G604R.
Identifiers: ClinVar variation 2949673 (VCV002949673.3), dbSNP rs2536788775, ClinGen allele CA370728912.

ClinVar aggregate classification (germline): Pathogenic (1 of 4 stars; one submission).

Conditions:
Pfeiffer syndrome (ACS5). Also called: ACS V. Identifiers: Orphanet 710, MedGen C0220658, MONDO:0007043, OMIM 101600.
Hypogonadotropic hypogonadism 2 with or without anosmia (HH2). Also called: HYPOGONADOTROPIC HYPOGONADISM 2 WITH OR WITHOUT ANOSMIA, SUSCEPTIBILITY TO; HYPOGONADOTROPIC HYPOGONADISM 2 WITHOUT ANOSMIA; HYPOGONADOTROPIC HYPOGONADISM 2 WITHOUT ANOSMIA, SUSCEPTIBILITY TO; FGFR1-Related GnRH Deficiency (Kallmann Syndrome 2). Identifiers: Orphanet 478, MedGen C1563720, MONDO:0007844, OMIM 147950. Disease mechanism: loss of function.

Submission:

Labcorp Genetics (formerly Invitae), Labcorp
Classification: Pathogenic for Pfeiffer syndrome; Hypogonadotropic hypogonadism 2 with or without anosmia. Last evaluated: 2024-03-21. Review status: criteria provided, single submitter. Criteria: Invitae Variant Classification Sherloc (09022015). Collection method: clinical testing. Allele origin: germline.
Comment: This sequence change replaces glycine, which is neutral and non-polar, with arginine, which is basic and polar, at codon 697 of the FGFR1 protein (p.Gly697Arg). This variant is not present in population databases (gnomAD no frequency). This missense change has been observed in individual(s) with clinical features of autosomal dominant FGFR1-related conditions (Invitae). In at least one individual the variant was observed to be de novo. Advanced modeling of protein sequence and biophysical properties (such as structural, functional, and spatial information, amino acid conservation, physicochemical variation, residue mobility, and thermodynamic stability) performed at Invitae indicates that this missense variant is expected to disrupt FGFR1 protein function with a positive predictive value of 95%. For these reasons, this variant has been classified as Pathogenic.